The following is an entry in ClinVar:

NM_002709.3(PPP1CB):c.880-3A>T

Gene: PPP1CB (protein phosphatase 1 catalytic subunit beta; plus strand). Cytogenetic location: 2p23.2.
Variant type: single nucleotide variant.
Coding change: c.880-3A>T on transcript NM_002709.3 (MANE Select); 3 bases into the intron before coding-DNA position 880, A replaced by T.
Molecular consequence: intron variant.
Genome position (GRCh38, 1-based): chr2:28,799,196, A>T. VCF-style: chr2-28799196-A-T. GRCh37 (hg19) VCF-style: chr2-29022062-A-T.
Other names: c.880-3A>T (NM_206876.2).
Identifiers: ClinVar variation 3679049 (VCV003679049.2).

ClinVar aggregate classification (germline): Uncertain significance (1 of 4 stars; one submission).

gnomAD v4.1: 1 of 1,529,692 alleles (0.000065%); highest among the groups gnomAD compares: Non-Finnish European, 0.00009%; no homozygotes.

Submission:

Labcorp Genetics (formerly Invitae), Labcorp
Classification: Uncertain significance. Last evaluated: 2024-07-10. Review status: criteria provided, single submitter. Criteria: Invitae Variant Classification Sherloc (09022015). Collection method: clinical testing. Allele origin: germline.
Comment: This sequence change falls in intron 8 of the PPP1CB gene. It does not directly change the encoded amino acid sequence of the PPP1CB protein. It affects a nucleotide within the consensus splice site. This variant is not present in population databases (gnomAD no frequency). This variant has not been reported in the literature in individuals affected with PPP1CB-related conditions. Variants that disrupt the consensus splice site are a relatively common cause of aberrant splicing (PMID: 17576681, 9536098). Algorithms developed to predict the effect of sequence changes on RNA splicing suggest that this variant is not likely to affect RNA splicing. In summary, the available evidence is currently insufficient to determine the role of this variant in disease. Therefore, it has been classified as a Variant of Uncertain Significance.

Literature cited by the submitters: PubMed 17576681; PubMed 9536098.